The following is an entry in ClinVar:

NM_004985.5(KRAS):c.562A>G (p.Met188Val)

Gene: KRAS (KRAS proto-oncogene, GTPase; minus strand). Cytogenetic location: 12p12.1.
Variant type: single nucleotide variant.
Coding change: c.562A>G on transcript NM_004985.5 (MANE Select); coding-DNA position 562, A replaced by G.
Protein change: p.Met188Val; replaces methionine 188 with valine.
Molecular consequence: missense variant. On other transcripts: 3 prime UTR variant (2).
Genome position (GRCh38, 1-based): chr12:25,209,800, T>C on the plus strand (A>G on the coding strand, the complement: KRAS is on the minus strand). VCF-style: chr12-25209800-T-C. GRCh37 (hg19) VCF-style: chr12-25362734-T-C.
Other names: c.*116A>G (NM_001369786.1, NM_033360.4); c.562A>G, p.Met188Val (NM_001369787.1); short protein forms M188V.
Identifiers: ClinVar variation 4801158 (VCV004801158.1).

ClinVar aggregate classification (germline): Uncertain significance (1 of 4 stars; one submission).

Conditions:
RASopathy. Also called: rasopathies; Noonan spectrum disorder. Identifiers: Orphanet 536391, MedGen C5555857, MONDO:0021060.

Submission:

Labcorp Genetics (formerly Invitae), Labcorp
Classification: Uncertain significance for RASopathy. Last evaluated: 2025-06-29. Review status: criteria provided, single submitter. Criteria: Invitae Variant Classification Sherloc (09022015). Collection method: clinical testing. Allele origin: germline.
Comment: This sequence change replaces methionine, which is neutral and non-polar, with valine, which is neutral and non-polar, at codon 188 of the KRAS protein (p.Met188Val). This variant is not present in population databases (gnomAD no frequency). This variant has not been reported in the literature in individuals affected with KRAS-related conditions. Invitae Evidence Modeling of protein sequence and biophysical properties (such as structural, functional, and spatial information, amino acid conservation, physicochemical variation, residue mobility, and thermodynamic stability) indicates that this missense variant is not expected to disrupt KRAS protein function with a negative predictive value of 95%. In summary, the available evidence is currently insufficient to determine the role of this variant in disease. Therefore, it has been classified as a Variant of Uncertain Significance.